The following is an entry in ClinVar:

ClinVar aggregate classification (germline): Uncertain significance (1 of 4 stars; one submission).

Conditions:
Emery-Dreifuss muscular dystrophy 5, autosomal dominant (EDMD5). Also called: EMERY-DREIFUSS MUSCULAR DYSTROPHY 5. Identifiers: Orphanet 261, MedGen C2751805, MONDO:0013072, OMIM 612999.

Submission:

Labcorp Genetics (formerly Invitae), Labcorp
Classification: Uncertain significance for Emery-Dreifuss muscular dystrophy 5, autosomal dominant. Last evaluated: 2025-07-28. Review status: criteria provided, single submitter. Criteria: Invitae Variant Classification Sherloc (09022015). Collection method: clinical testing. Allele origin: germline.
Comment: This sequence change replaces proline, which is neutral and non-polar, with leucine, which is neutral and non-polar, at codon 6801 of the SYNE2 protein (p.Pro6801Leu). This variant is not present in population databases (gnomAD no frequency). This variant has not been reported in the literature in individuals affected with SYNE2-related conditions. An algorithm developed to predict the effect of missense changes on protein structure and function outputs the following: PolyPhen-2: "Benign". The leucine amino acid residue is found in multiple mammalian species, which suggests that this missense change does not adversely affect protein function. In summary, the available evidence is currently insufficient to determine the role of this variant in disease. Therefore, it has been classified as a Variant of Uncertain Significance.

NM_182914.3(SYNE2):c.20402C>T (p.Pro6801Leu)

Gene: SYNE2 (spectrin repeat containing nuclear envelope protein 2; plus strand). Cytogenetic location: 14q23.2.
Variant type: single nucleotide variant.
Coding change: c.20402C>T on transcript NM_182914.3 (MANE Select); coding-DNA position 20402, C replaced by T.
Protein change: p.Pro6801Leu; replaces proline 6801 with leucine.
Molecular consequence: missense variant.
Genome position (GRCh38, 1-based): chr14:64,224,480, C>T. VCF-style: chr14-64224480-C-T. GRCh37 (hg19) VCF-style: chr14-64691198-C-T.
Other names: c.20333C>T, p.Pro6778Leu (NM_015180.6); c.968C>T, p.Pro323Leu (NM_182910.2); c.1346C>T, p.Pro449Leu (NM_182913.4); short protein forms P323L, P449L, P6778L, P6801L.
Identifiers: ClinVar variation 4724141 (VCV004724141.1).